The following is an entry in ClinVar:

NM_000337.6(SGCD):c.642T>C (p.Ala214=)

Gene: SGCD (sarcoglycan delta; plus strand). Cytogenetic location: 5q33.3.
Variant type: single nucleotide variant.
Coding change: c.642T>C on transcript NM_000337.6 (MANE Select); coding-DNA position 642, T replaced by C.
Protein change: p.Ala214=; no amino-acid change (alanine 214 retained).
Molecular consequence: synonymous variant.
Genome position (GRCh38, 1-based): chr5:156,757,647, T>C. VCF-style: chr5-156757647-T-C. GRCh37 (hg19) VCF-style: chr5-156184658-T-C.
Other names: c.639T>C, p.Ala213= (NM_001128209.2); c.642T>C, p.Ala214= (NM_172244.3).
Identifiers: ClinVar variation 681097 (VCV000681097.13), dbSNP rs778303434, ClinGen allele CA3530651.

ClinVar aggregate classification (germline): Likely benign. Review status: criteria provided, multiple submitters, no conflicts (2 of 4 stars). 7 submissions from 6 submitters: Likely benign (6). 1 of the submissions does not count toward it. Last evaluated 2026-01-31.

Conditions:
SGCD-related disorder. Also called: SGCD-related condition.
Inborn genetic diseases. Identifiers: MedGen C0950123, MeSH D030342.
Autosomal recessive limb-girdle muscular dystrophy type 2F (LGMDR6). Also called: MUSCULAR DYSTROPHY, LIMB-GIRDLE, AUTOSOMAL RECESSIVE 6; Muscular dystrophy limb-girdle with delta-sarcoglyan deficiency. Identifiers: Orphanet 219, MedGen C1832525, MONDO:0011028, OMIM 601287. Disease mechanism: Affects gamma-sarcoglycan and also disrupts the integrity of the entire sarcoglycan complex..
Dilated cardiomyopathy 1L (CMD1L). Identifiers: Orphanet 154, MedGen C1847667, MONDO:0011702, OMIM 606685.

Allele frequency attached by ClinVar (database versions not stated): gnomAD 0.00001; gnomAD exomes 0.00001 and 0.00002; TOPMed 0.00002; ExAC 0.00003.
gnomAD v4.1: 8 of 1,610,730 alleles (0.0005%); highest among the groups gnomAD compares: Admixed American, 0.013%; no homozygotes.

Submissions (7):

Ambry Genetics
Classification: Likely benign for Inborn genetic diseases. Last evaluated: 2026-01-31. Review status: criteria provided, single submitter. Criteria: Ambry Variant Classification Scheme 2023. Collection method: clinical testing. Allele origin: germline.

Labcorp Genetics (formerly Invitae), Labcorp
Classification: Likely benign for Autosomal recessive limb-girdle muscular dystrophy type 2F. Last evaluated: 2025-10-28. Review status: criteria provided, single submitter. Criteria: Invitae Variant Classification Sherloc (09022015). Collection method: clinical testing. Allele origin: germline.

Blueprint Genetics
Classification: Likely benign. Last evaluated: 2024-08-16. Review status: criteria provided, single submitter. Criteria: ACMG Guidelines, 2015. Collection method: clinical testing. Allele origin: germline.

Genome-Nilou Lab
Classification: Likely benign for Autosomal recessive limb-girdle muscular dystrophy type 2F. Last evaluated: 2023-02-08. Review status: criteria provided, single submitter. Criteria: ACMG Guidelines, 2015. Collection method: clinical testing. Allele origin: germline.

Genome-Nilou Lab
Classification: Likely benign for Dilated cardiomyopathy 1L. Last evaluated: 2023-02-08. Review status: criteria provided, single submitter. Criteria: ACMG Guidelines, 2015. Collection method: clinical testing. Allele origin: germline.

GeneDx
Classification: Likely benign. Last evaluated: 2018-03-26. Review status: criteria provided, single submitter. Criteria: GeneDx Variant Classification (06012015). Collection method: clinical testing. Allele origin: germline. Affected: yes.
Comment: This variant is considered likely benign or benign based on one or more of the following criteria: it is a conservative change, it occurs at a poorly conserved position in the protein, it is predicted to be benign by multiple in silico algorithms, and/or has population frequency not consistent with disease.

PreventionGenetics, part of Exact Sciences
Classification: Likely benign for SGCD-related condition. Last evaluated: 2024-06-12. Review status: no assertion criteria provided. Collection method: clinical testing. Allele origin: germline. Not counted in ClinVar's aggregate classification.
Comment: This variant is classified as likely benign based on ACMG/AMP sequence variant interpretation guidelines (Richards et al. 2015 PMID: 25741868, with internal and published modifications).